The following is an entry in ClinVar:

NM_017763.6(RNF43):c.1232C>T (p.Pro411Leu)

Gene: RNF43 (ring finger protein 43; minus strand). Cytogenetic location: 17q22.
Variant type: single nucleotide variant.
Coding change: c.1232C>T on transcript NM_017763.6 (MANE Select); coding-DNA position 1232, C replaced by T.
Protein change: p.Pro411Leu; replaces proline 411 with leucine.
Molecular consequence: missense variant.
Genome position (GRCh38, 1-based): chr17:58,358,544, G>A on the plus strand (C>T on the coding strand, the complement: RNF43 is on the minus strand). VCF-style: chr17-58358544-G-A. GRCh37 (hg19) VCF-style: chr17-56435905-G-A.
Other names: c.1232C>T, p.Pro411Leu (NM_001305544.3); c.851C>T, p.Pro284Leu (NM_001305545.2); short protein forms P284L, P411L.
Identifiers: ClinVar variation 1718482 (VCV001718482.6), dbSNP rs1029129424, ClinGen allele CA292012797.
Genomic context (GRCh38, chr17:58,358,544, plus strand): 5'-CAAGCAGCAGGGTGCTGTGAGGTGGATTGGAGGTGGCTCAGTCCCCAGCCTTGTGCATAG[G>A]GGTGCTGGGCTCCTGCCAGGCGCTGCTGCTCTCCTGGAGCCCGGGGATGTGCAGCTCTGG-3'
Protein context (NP_060233.3, residues 401-421): EQQRLAGAQH[Pro411Leu]YAQGWGLSHL

ClinVar aggregate classification (germline): Uncertain significance. Review status: criteria provided, multiple submitters, no conflicts (2 of 4 stars). 2 submissions from 2 submitters: Uncertain significance (2). Last evaluated 2024-11-24.

Submissions (2):

Ambry Genetics
Classification: Uncertain significance. Last evaluated: 2024-11-24. Review status: criteria provided, single submitter. Criteria: Ambry Variant Classification Scheme 2023. Collection method: clinical testing. Allele origin: germline.
Comment: The p.P411L variant (also known as c.1232C>T), located in coding exon 8 of the RNF43 gene, results from a C to T substitution at nucleotide position 1232. The proline at codon 411 is replaced by leucine, an amino acid with similar properties. This amino acid position is conserved. In addition, this alteration is predicted to be tolerated by in silico analysis. Based on the available evidence, the clinical significance of this variant remains unclear.

Labcorp Genetics (formerly Invitae), Labcorp
Classification: Uncertain significance. Last evaluated: 2022-08-31. Review status: criteria provided, single submitter. Criteria: Invitae Variant Classification Sherloc (09022015). Collection method: clinical testing. Allele origin: germline.
Comment: This variant has not been reported in the literature in individuals affected with RNF43-related conditions. This variant is not present in population databases (gnomAD no frequency). This sequence change replaces proline, which is neutral and non-polar, with leucine, which is neutral and non-polar, at codon 411 of the RNF43 protein (p.Pro411Leu). In summary, the available evidence is currently insufficient to determine the role of this variant in disease. Therefore, it has been classified as a Variant of Uncertain Significance. Algorithms developed to predict the effect of missense changes on protein structure and function (SIFT, PolyPhen-2, Align-GVGD) all suggest that this variant is likely to be tolerated.